The following is an entry in ClinVar:

ClinVar aggregate classification (germline): Uncertain significance (1 of 4 stars; one submission).

Allele frequency attached by ClinVar (database versions not stated): ExAC 0.00001; gnomAD 0.00001; gnomAD exomes 0.00001; TOPMed 0.00001.

Submission:

Labcorp Genetics (formerly Invitae), Labcorp
Classification: Uncertain significance. Last evaluated: 2021-05-19. Review status: criteria provided, single submitter. Criteria: Invitae Variant Classification Sherloc (09022015). Collection method: clinical testing. Allele origin: germline.
Comment: This sequence change replaces arginine with histidine at codon 141 of the REEP6 protein (p.Arg141His). The arginine residue is highly conserved and there is a small physicochemical difference between arginine and histidine. This variant is present in population databases (rs761567767, ExAC 0.006%). This variant has not been reported in the literature in individuals with REEP6-related conditions. Experimental studies and prediction algorithms are not available or were not evaluated, and the functional significance of this variant is currently unknown. In summary, the available evidence is currently insufficient to determine the role of this variant in disease. Therefore, it has been classified as a Variant of Uncertain Significance.

NM_138393.4(REEP6):c.422G>A (p.Arg141His)

Gene: REEP6 (receptor accessory protein 6; plus strand). Cytogenetic location: 19p13.3.
Variant type: single nucleotide variant.
Coding change: c.422G>A on transcript NM_138393.4 (MANE Select); coding-DNA position 422, G replaced by A.
Protein change: p.Arg141His; replaces arginine 141 with histidine.
Molecular consequence: missense variant.
Genome position (GRCh38, 1-based): chr19:1,496,358, G>A. VCF-style: chr19-1496358-G-A. GRCh37 (hg19) VCF-style: chr19-1496357-G-A.
Other names: c.422G>A, p.Arg141His (NM_001329556.3); short protein forms R141H.
Identifiers: ClinVar variation 1440835 (VCV001440835.3), dbSNP rs761567767, ClinGen allele CA9047568.